The following is an entry in ClinVar:

ClinVar aggregate classification (germline): Pathogenic (1 of 4 stars; one submission).

Conditions:
Dyskeratosis congenita, autosomal recessive 6 (DKCB6). Identifiers: MedGen C4225356, MONDO:0014600, OMIM 616353.

Submission:

Bertuch Lab, Baylor College of Medicine
Classification: Pathogenic for Dyskeratosis congenita, autosomal recessive 6. Last evaluated: 2019-05-15. Review status: criteria provided, single submitter. Criteria: ACMG Guidelines, 2015. Collection method: research. Allele origin: maternal. Inheritance: Autosomal recessive inheritance. Affected: yes. Observed: 2 compound heterozygotes.
Comment: PARN is a ribodeadenylase. Biallelic PARN variants have been reported in 9 cases of Hoyeraal-Hreidarsson syndrome (HH)/dyskeratosis congenita. Monoallelic PARN variants are associated with IPF and more than 50 cases have been reported. This novel insertion variant and a rare missense variant, p.Y91C, were found in trans in two siblings with HH. Unaffected family members did not have both variants. Functional studies showed that PARN p.Y91C had reduced deadenylase activity and the p.I274* transcript likely underwent NMD. Studies with patient-derived samples showed the expected alteration of PARN target RNAs in one affected sibling. Telomere lengths were extremely short for both affected siblings. However, monoallelic variant carriers had variable telomere length, indicating incomplete penetrance of short telomeres in PARN variant carriers. In summary, this variant has strong evidence for being pathogenic according to ACMG 2015 guidelines and functional data, segregation data, and allelic data.

Literature cited by the submitters: PubMed 31448843.

NM_002582.4(PARN):c.819_820insTAGAAATCATTTCTAGAGTC (p.Ile274Ter)

Gene: PARN (poly(A)-specific ribonuclease; minus strand). Cytogenetic location: 16p13.12.
Variant type: Insertion.
Coding change: c.819_820insTAGAAATCATTTCTAGAGTC on transcript NM_002582.4 (MANE Select); coding-DNA positions 819 to 820, TAGAAATCATTTCTAGAGTC inserted.
Protein change: p.Ile274Ter; replaces isoleucine 274 with a stop codon.
Molecular consequence: nonsense.
Genome position: GRCh38 VCF-style: chr16-14599924-T-TGACTCTAGAAATGATTTCTA. GRCh37 (hg19) VCF-style: chr16-14693781-T-TGACTCTAGAAATGATTTCTA.
Other names: c.819_820insTAGAAATCATTTCTAGAGTC, p.Ile274Ter (LRG_1286t1); c.636_637insTAGAAATCATTTCTAGAGTC, p.Ile213Ter (NM_001134477.3); c.681_682insTAGAAATCATTTCTAGAGTC, p.Ile228Ter (NM_001242992.2); short protein forms I274*, I213*, I228*.
Identifiers: ClinVar variation 631490 (VCV000631490.3), dbSNP rs1596812454, ClinGen allele CA915946273.
Genomic context (GRCh38, chr16:14,599,924, plus strand): 5'-GTATGTTCTGCAATCTTGCTAAAAAGTCTGGCTCACTTACCGAATTAGCAATGGCGTGAA[T>TGACTCTAGAAATGATTTCTA]GACTCTAGAAAATCCCACAGCATCATTCAGCTCCTCCTAATTAAAAAAATATATACATAT-3'